The following is an entry in ClinVar:

ClinVar aggregate classification (germline): Likely pathogenic. Review status: criteria provided, multiple submitters, no conflicts (2 of 4 stars). 2 submissions from 2 submitters: Likely pathogenic (2). Last evaluated 2025-03-03.

Conditions:
Familial cancer of breast. Also called: BREAST CANCER, FAMILIAL; hereditary breast carcinoma; Hereditary breast cancer. Identifiers: Orphanet 227535, MedGen C0346153, MONDO:0016419, OMIM 114480. Disease mechanism: loss of function.

Submissions (2):

Labcorp Genetics (formerly Invitae), Labcorp
Classification: Likely pathogenic for Familial cancer of breast. Last evaluated: 2025-03-03. Review status: criteria provided, single submitter. Criteria: Invitae Variant Classification Sherloc (09022015). Collection method: clinical testing. Allele origin: germline.
Comment: This sequence change affects a donor splice site in intron 7 of the BARD1 gene. RNA analysis indicates that disruption of this splice site induces altered splicing and may result in an absent or altered protein product. This variant is not present in population databases (gnomAD no frequency). This variant has not been reported in the literature in individuals affected with BARD1-related conditions. ClinVar contains an entry for this variant (Variation ID: 2584299). Studies have shown that disruption of this splice site results in skipping of exon 7, and produces a non-functional protein and/or introduces a premature termination codon (internal data). In summary, the currently available evidence indicates that the variant is pathogenic, but additional data are needed to prove that conclusively. Therefore, this variant has been classified as Likely Pathogenic.

Myriad Genetics, Inc.
Classification: Likely pathogenic for Familial cancer of breast. Last evaluated: 2023-05-23. Review status: criteria provided, single submitter. Criteria: Myriad Autosomal Dominant, Autosomal Recessive and X-Linked Classification Criteria (2023). Collection method: clinical testing. Allele origin: unknown.
Comment: This variant is considered likely pathogenic. This variant occurs within a consensus splice junction and is predicted to result in abnormal mRNA splicing of either an out-of-frame exon or an in-frame exon necessary for protein stability and/or normal function.

NM_000465.4(BARD1):c.1677+1G>T

Gene: BARD1 (BRCA1 associated RING domain 1; minus strand). Cytogenetic location: 2q35.
Variant type: single nucleotide variant.
Coding change: c.1677+1G>T on transcript NM_000465.4 (MANE Select); the canonical splice donor site of the intron after coding-DNA position 1677, G replaced by T.
Molecular consequence: splice donor variant. On other transcripts: intron variant (1).
Genome position (GRCh38, 1-based): chr2:214,752,446, C>A on the plus strand (G>T on the coding strand, the complement: BARD1 is on the minus strand). VCF-style: chr2-214752446-C-A. GRCh37 (hg19) VCF-style: chr2-215617170-C-A.
Other names: c.267+1G>T (NM_001282548.2); c.1620+1G>T (NM_001282543.2); c.324+1G>T (NM_001282545.2); c.365-21938G>T (NM_001282549.2).
Identifiers: ClinVar variation 2584299 (VCV002584299.3), dbSNP rs1060501310, ClinGen allele CA350454491.